The following is an entry in ClinVar:

ClinVar aggregate classification (germline): Likely pathogenic (1 of 4 stars; one submission).

Conditions:
Intellectual disability, autosomal dominant 34 (NEDHSF). Also called: Ceramide Transporter Syndrome; INTELLECTUAL DEVELOPMENTAL DISORDER, AUTOSOMAL DOMINANT 34; NEURODEVELOPMENTAL DISORDER WITH HYPOTONIA, SPEECH DELAY, AND DYSMORPHIC FACIES; CERTRA SYNDROME. Identifiers: MedGen C4225156, MONDO:0014599, OMIM 616351.

Submission:

Victorian Clinical Genetics Services, Murdoch Childrens Research Institute
Classification: Likely pathogenic for Intellectual disability, autosomal dominant 34. Last evaluated: 2023-12-21. Review status: criteria provided, single submitter. Criteria: ACMG Guidelines, 2015. Collection method: clinical testing. Allele origin: germline. Inheritance: Autosomal dominant inheritance. Affected: yes.
Comment: Based on the classification scheme VCGS_Germline_v1.3.4, this variant is classified as Likely pathogenic. Following criteria are met: 0101 - Gain of function is a known mechanism of disease in this gene and is associated with autosomal dominant intellectual developmental disorder 34 (MIM#616351). (I) 0107 - This gene is associated with autosomal dominant disease. (I) 0200 - Variant is predicted to result in a missense amino acid change from alanine to valine. (I) 0251 - This variant is heterozygous. (I) 0301 - Variant is absent from gnomAD (both v2 and v3). (SP) 0502 - Missense variant with conflicting in silico predictions and high conservation. (I) 0600 - Variant is located in the annotated START domain (DECIPHER). (I) 0705 - No comparable missense variants have previous evidence for pathogenicity. (I) 0807 - This variant has no previous evidence of pathogenicity. (I) 0905 - No published segregation evidence has been identified for this variant. (I) 1007 - No published functional evidence has been identified for this variant. (SP) Legend: (SP) - Supporting pathogenic, (I) - Information, (SB) - Supporting benign

NM_001379029.1(CERT1):c.1742C>T (p.Ala581Val)

Gene: CERT1 (ceramide transporter 1; minus strand). Cytogenetic location: 5q13.3.
Variant type: single nucleotide variant.
Coding change: c.1742C>T on transcript NM_001379029.1 (MANE Select); coding-DNA position 1742, C replaced by T.
Protein change: p.Ala581Val; replaces alanine 581 with valine.
Molecular consequence: missense variant.
Genome position (GRCh38, 1-based): chr5:75,381,077, G>A on the plus strand (C>T on the coding strand, the complement: CERT1 is on the minus strand). VCF-style: chr5-75381077-G-A. GRCh37 (hg19) VCF-style: chr5-74676902-G-A.
Other names: c.2126C>T, p.Ala709Val (NM_001130105.1); c.1742C>T, p.Ala581Val (NM_001379002.1, NM_005713.3); c.1664C>T, p.Ala555Val (NM_001379003.1, NM_001379004.1, NM_031361.3); short protein forms A555V, A581V, A709V.
Identifiers: ClinVar variation 3376829 (VCV003376829.1).